The following is an entry in ClinVar:

NM_006180.6(NTRK2):c.865A>G (p.Ile289Val)

Gene: NTRK2 (neurotrophic receptor tyrosine kinase 2; plus strand). Cytogenetic location: 9q21.33.
Variant type: single nucleotide variant.
Coding change: c.865A>G on transcript NM_006180.6 (MANE Select); coding-DNA position 865, A replaced by G.
Protein change: p.Ile289Val; replaces isoleucine 289 with valine.
Molecular consequence: missense variant. On other transcripts: intron variant (2).
Genome position (GRCh38, 1-based): chr9:84,727,665, A>G. VCF-style: chr9-84727665-A-G. GRCh37 (hg19) VCF-style: chr9-87342580-A-G.
Other names: c.865A>G (NM_006180.4); c.865A>G, p.Ile289Val (NM_001007097.3, NM_001018064.3, NM_001018065.2 and 17 more transcripts); c.397A>G, p.Ile133Val (NM_001369535.1, NM_001369536.1, NM_001369550.1 and 2 more transcripts); c.854-28A>G (NM_001291937.2, NM_001369546.1); short protein forms I133V, I289V.
Identifiers: ClinVar variation 1972686 (VCV001972686.8), dbSNP rs2132077783, ClinGen allele CA374008117.
Genomic context (GRCh38, chr9:84,727,665, plus strand): 5'-GAGAATTCTGAGCTTTCTGATGCTATTAACTCTCTCTTTTTCAATTTAGTTGCACCAACT[A>G]TCACATTTCTCGAATCTCCAACCTCAGACCACCACTGGTGCATTCCATTCACTGTGAAAG-3'
Protein context (NP_006171.2, residues 279-299): VNLTVHFAPT[Ile289Val]TFLESPTSDH

ClinVar aggregate classification (germline): Uncertain significance. Review status: criteria provided, multiple submitters, no conflicts (2 of 4 stars). 3 submissions from 3 submitters: Uncertain significance (3). Last evaluated 2025-10-06.

Conditions:
NTRK2-related disorder. Also called: NTRK2-related condition.
Developmental and epileptic encephalopathy, 58. Also called: EPILEPTIC ENCEPHALOPATHY, EARLY INFANTILE, 58. Identifiers: MedGen C4693367, MONDO:0033367, OMIM 617830.

Allele frequency attached by ClinVar (database versions not stated): gnomAD exomes below 0.00001.
gnomAD v4.1: 1 of 1,612,470 alleles (0.000062%); highest among the groups gnomAD compares: Non-Finnish European, 0.000085%; no homozygotes.

Submissions (3):

PreventionGenetics, part of Exact Sciences
Classification: Uncertain significance for NTRK2-related condition. Last evaluated: 2025-10-06. Review status: criteria provided, single submitter. Criteria: ACMG Guidelines, 2015. Collection method: clinical testing. Allele origin: germline.
Comment: The NTRK2 c.865A>G variant is predicted to result in the amino acid substitution p.Ile289Val. To our knowledge, this variant has not been reported in the literature or in a large population database (gnomAD), indicating this variant is rare. At this time, the clinical significance of this variant is uncertain due to the absence of conclusive functional and genetic evidence.

Dasa
Classification: Uncertain significance for Developmental and epileptic encephalopathy, 58. Last evaluated: 2025-10-05. Review status: criteria provided, single submitter. Criteria: DASA Assertion Criteria. Collection method: clinical testing. Allele origin: germline.
Comment: NM_006180.6(NTRK2):c.865A>G (p.Ile289Val) is a missense variant that results in the substitution of isoleucine with valine. This variant is rare in population databases. The currently available literature and clinical evidence are not sufficient to establish a definitive association between this variant and the reported condition. Therefore, this variant is classified as a variant of uncertain significance.

Labcorp Genetics (formerly Invitae), Labcorp
Classification: Uncertain significance. Last evaluated: 2025-01-23. Review status: criteria provided, single submitter. Criteria: Invitae Variant Classification Sherloc (09022015). Collection method: clinical testing. Allele origin: germline.
Comment: This sequence change replaces isoleucine, which is neutral and non-polar, with valine, which is neutral and non-polar, at codon 289 of the NTRK2 protein (p.Ile289Val). This variant is not present in population databases (gnomAD no frequency). This variant has not been reported in the literature in individuals affected with NTRK2-related conditions. ClinVar contains an entry for this variant (Variation ID: 1972686). Invitae Evidence Modeling of protein sequence and biophysical properties (such as structural, functional, and spatial information, amino acid conservation, physicochemical variation, residue mobility, and thermodynamic stability) indicates that this missense variant is not expected to disrupt NTRK2 protein function with a negative predictive value of 80%. In summary, the available evidence is currently insufficient to determine the role of this variant in disease. Therefore, it has been classified as a Variant of Uncertain Significance.